The following is an entry in ClinVar:

ClinVar aggregate classification (germline): Uncertain significance (1 of 4 stars; one submission).

Conditions:
Citrullinemia. Identifiers: Orphanet 187, MedGen C0175683, MONDO:0015991.

Submission:

Labcorp Genetics (formerly Invitae), Labcorp
Classification: Uncertain significance for Citrullinemia. Last evaluated: 2023-10-13. Review status: criteria provided, single submitter. Criteria: Invitae Variant Classification Sherloc (09022015). Collection method: clinical testing. Allele origin: germline.
Comment: This sequence change replaces alanine, which is neutral and non-polar, with phenylalanine, which is neutral and non-polar, at codon 299 of the ASS1 protein (p.Ala299Phe). Information on the frequency of this variant in the gnomAD database is not available, as this variant may be reported differently in the database. This variant has not been reported in the literature in individuals affected with ASS1-related conditions. ClinVar contains an entry for this variant (Variation ID: 2110105). An algorithm developed to predict the effect of missense changes on protein structure and function (PolyPhen-2) suggests that this variant is likely to be disruptive. In summary, the available evidence is currently insufficient to determine the role of this variant in disease. Therefore, it has been classified as a Variant of Uncertain Significance.

NM_054012.4(ASS1):c.895_896delinsTT (p.Ala299Phe)

Gene: ASS1 (argininosuccinate synthase 1; plus strand). Cytogenetic location: 9q34.11.
Variant type: Indel.
Coding change: c.895_896delinsTT on transcript NM_054012.4 (MANE Select); coding-DNA positions 895 to 896, GC replaced by TT.
Protein change: p.Ala299Phe; replaces alanine 299 with phenylalanine.
Molecular consequence: missense variant.
Genome position (GRCh38, 1-based): chr9:130,489,389-130,489,390, GC replaced by TT. VCF-style: chr9-130489389-GC-TT. GRCh37 (hg19) VCF-style: chr9-133364776-GC-TT.
Other names: c.895_896delinsTT, p.Ala299Phe (NM_000050.4); short protein forms A299F.
Identifiers: ClinVar variation 2110105 (VCV002110105.4), dbSNP rs2490610590, ClinGen allele CA2580079841.